The following is an entry in ClinVar:

NM_001008537.3(NEXMIF):c.4274C>T (p.Thr1425Ile)

Gene: NEXMIF (neurite extension and migration factor; minus strand). Cytogenetic location: Xq13.3.
Variant type: single nucleotide variant.
Coding change: c.4274C>T on transcript NM_001008537.3 (MANE Select); coding-DNA position 4274, C replaced by T.
Protein change: p.Thr1425Ile; replaces threonine 1425 with isoleucine.
Molecular consequence: missense variant.
Genome position (GRCh38, 1-based): chrX:74,740,283, G>A on the plus strand (C>T on the coding strand, the complement: NEXMIF is on the minus strand). VCF-style: chrX-74740283-G-A. GRCh37 (hg19) VCF-style: chrX-73960118-G-A.
Other names: short protein forms T1425I.
Identifiers: ClinVar variation 5008502 (VCV005008502.1).

ClinVar aggregate classification (germline): Uncertain significance (1 of 4 stars; one submission).

Submission:

GeneDx
Classification: Uncertain significance. Last evaluated: 2026-03-06. Review status: criteria provided, single submitter. Criteria: GeneDx Variant Classification Process June 2021. Collection method: clinical testing. Allele origin: germline.
Comment: Not observed at significant frequency in large population cohorts (gnomAD); In silico analysis suggests that this missense variant does not alter protein structure/function; Has not been previously published as pathogenic or benign to our knowledge